The following is an entry in ClinVar:

NM_003803.4(MYOM1):c.4077C>G (p.His1359Gln)

Gene: MYOM1 (myomesin 1; minus strand). Cytogenetic location: 18p11.31.
Variant type: single nucleotide variant.
Coding change: c.4077C>G on transcript NM_003803.4 (MANE Select); coding-DNA position 4077, C replaced by G.
Protein change: p.His1359Gln; replaces histidine 1359 with glutamine.
Molecular consequence: missense variant.
Genome position (GRCh38, 1-based): chr18:3,089,234, G>C on the plus strand (C>G on the coding strand, the complement: MYOM1 is on the minus strand). VCF-style: chr18-3089234-G-C. GRCh37 (hg19) VCF-style: chr18-3089232-G-C.
Other names: c.3789C>G, p.His1263Gln (NM_019856.2); short protein forms H1263Q, H1359Q.
Identifiers: ClinVar variation 2447683 (VCV002447683.2), dbSNP rs2510503795, ClinGen allele CA401711962.

ClinVar aggregate classification (germline): Uncertain significance (1 of 4 stars; one submission).

Submission:

Ambry Genetics
Classification: Uncertain significance. Last evaluated: 2023-03-03. Review status: criteria provided, single submitter. Criteria: Ambry Variant Classification Scheme 2023. Collection method: clinical testing. Allele origin: germline.
Comment: The p.H1359Q variant (also known as c.4077C>G), located in coding exon 28 of the MYOM1 gene, results from a C to G substitution at nucleotide position 4077. The histidine at codon 1359 is replaced by glutamine, an amino acid with highly similar properties. This amino acid position is conserved. In addition, the in silico prediction for this alteration is inconclusive. Since supporting evidence is limited at this time, the clinical significance of this alteration remains unclear.